The following is an entry in ClinVar:

NM_004958.4(MTOR):c.455C>T (p.Ala152Val)

Gene: MTOR (mechanistic target of rapamycin kinase; minus strand). Cytogenetic location: 1p36.22.
Variant type: single nucleotide variant.
Coding change: c.455C>T on transcript NM_004958.4 (MANE Select); coding-DNA position 455, C replaced by T.
Protein change: p.Ala152Val; replaces alanine 152 with valine.
Molecular consequence: missense variant. On other transcripts: 5 prime UTR variant (1).
Genome position (GRCh38, 1-based): chr1:11,256,982, G>A on the plus strand (C>T on the coding strand, the complement: MTOR is on the minus strand). VCF-style: chr1-11256982-G-A. GRCh37 (hg19) VCF-style: chr1-11317039-G-A.
Other names: c.455C>T (NM_004958.3); c.455C>T, p.Ala152Val (NM_001386500.1); c.-685C>T (NM_001386501.1); short protein forms A152V.
Identifiers: ClinVar variation 1484037 (VCV001484037.9), dbSNP rs2100978214, ClinGen allele CA338403539.
Genomic context (GRCh38, chr1:11,256,982, plus strand): 5'-TAGACACTCACAGCTGCATGTCTCCGGCCCTCATTGCGGTCAGCACCCAGCCATTCCAGG[G>A]CTCGCTTCACCTCAAATTCCACGTACTCAGCGGTAAAAGTGTCCCCTGCCATGGCAAGAC-3'
Protein context (NP_004949.1, residues 142-162): AEYVEFEVKR[Ala152Val]LEWLGADRNE

ClinVar aggregate classification (germline): Uncertain significance. Review status: criteria provided, multiple submitters, no conflicts (2 of 4 stars). 2 submissions from 2 submitters: Uncertain significance (2). Last evaluated 2024-02-25.

Submissions (2):

GeneDx
Classification: Uncertain significance. Last evaluated: 2024-02-25. Review status: criteria provided, single submitter. Criteria: GeneDx Variant Classification Process June 2021. Collection method: clinical testing. Allele origin: germline. Affected: yes.
Comment: Not observed at significant frequency in large population cohorts (gnomAD); In silico analysis supports that this missense variant has a deleterious effect on protein structure/function; Has not been previously published as pathogenic or benign to our knowledge

Labcorp Genetics (formerly Invitae), Labcorp
Classification: Uncertain significance. Last evaluated: 2021-07-12. Review status: criteria provided, single submitter. Criteria: Invitae Variant Classification Sherloc (09022015). Collection method: clinical testing. Allele origin: germline.
Comment: This sequence change replaces alanine with valine at codon 152 of the MTOR protein (p.Ala152Val). The alanine residue is highly conserved and there is a small physicochemical difference between alanine and valine. This variant is not present in population databases (ExAC no frequency). This variant has not been reported in the literature in individuals affected with MTOR-related conditions. Advanced modeling of protein sequence and biophysical properties (such as structural, functional, and spatial information, amino acid conservation, physicochemical variation, residue mobility, and thermodynamic stability) performed at Invitae indicates that this missense variant is expected to disrupt MTOR protein function. In summary, the available evidence is currently insufficient to determine the role of this variant in disease. Therefore, it has been classified as a Variant of Uncertain Significance.